The following is an entry in ClinVar:

ClinVar aggregate classification (germline): Uncertain significance (1 of 4 stars; one submission).

Conditions:
Developmental and epileptic encephalopathy, 11 (DEE11). Also called: Early infantile epileptic encephalopathy 11. Identifiers: Orphanet 1934, MedGen C3150987, MONDO:0013388, OMIM 613721.
Seizures, benign familial infantile, 3 (BFIS3). Also called: CONVULSIONS, BENIGN FAMILIAL INFANTILE, 3; Familial neonatal seizures. Identifiers: Orphanet 140927, Orphanet 306, MedGen C1843140, MONDO:0011904, OMIM 607745.

Submission:

Labcorp Genetics (formerly Invitae), Labcorp
Classification: Uncertain significance for Seizures, benign familial infantile, 3; Developmental and epileptic encephalopathy, 11. Last evaluated: 2021-02-09. Review status: criteria provided, single submitter. Criteria: Invitae Variant Classification Sherloc (09022015). Collection method: clinical testing. Allele origin: germline.
Comment: In summary, the available evidence is currently insufficient to determine the role of this variant in disease. Therefore, it has been classified as a Variant of Uncertain Significance. Algorithms developed to predict the effect of missense changes on protein structure and function are either unavailable or do not agree on the potential impact of this missense change (SIFT: "Deleterious"; PolyPhen-2: "Probably Damaging"; Align-GVGD: "Class C0"). This variant has not been reported in the literature in individuals with SCN2A-related conditions. This variant is not present in population databases (ExAC no frequency). This sequence change replaces phenylalanine with leucine at codon 162 of the SCN2A protein (p.Phe162Leu). The phenylalanine residue is highly conserved and there is a small physicochemical difference between phenylalanine and leucine.

NM_001040142.2(SCN2A):c.486T>A (p.Phe162Leu)

Gene: SCN2A (sodium voltage-gated channel alpha subunit 2; plus strand). Cytogenetic location: 2q24.3.
Variant type: single nucleotide variant.
Coding change: c.486T>A on transcript NM_001040142.2 (MANE Select); coding-DNA position 486, T replaced by A.
Protein change: p.Phe162Leu; replaces phenylalanine 162 with leucine.
Molecular consequence: missense variant.
Genome position (GRCh38, 1-based): chr2:165,308,675, T>A. VCF-style: chr2-165308675-T-A. GRCh37 (hg19) VCF-style: chr2-166165185-T-A.
Other names: c.486T>A, p.Phe162Leu (NM_001040143.2, NM_001371246.1, NM_001371247.1 and 1 more transcripts); short protein forms F162L.
Identifiers: ClinVar variation 1493037 (VCV001493037.8), dbSNP rs1346837998, ClinGen allele CA349015905.
Genomic context (GRCh38, chr2:165,308,675, plus strand): 5'-TTGTAAATTAACCACTAGATTTTTAATGTGAGCTTGGCTATTTTCTCTCAGGTATACCTT[T>A]ACAGGAATTTATACTTTTGAATCACTTATTAAAATACTTGCAAGGGGCTTTTGTTTAGAA-3'
Protein context (NP_001035232.1, residues 152-172): PDWTKNVEYT[Phe162Leu]TGIYTFESLI